The following is an entry in ClinVar:

ClinVar aggregate classification (germline): Benign (1 of 4 stars; one submission).

Allele frequency attached by ClinVar (database versions not stated): 1000 Genomes Project 0.39018; 1000 Genomes Project 30x 0.39897; gnomAD 0.43128 and 0.44008; TOPMed 0.43531.
gnomAD v4.1: 65,491 of 152,010 alleles (43%); highest among the groups gnomAD compares: African/African-American, 63%; 15,414 homozygotes.

Submission:

GeneDx
Classification: Benign. Last evaluated: 2018-06-19. Review status: criteria provided, single submitter. Criteria: GeneDx Variant Classification (06012015). Collection method: clinical testing. Allele origin: germline. Affected: yes.
Comment: This variant is considered likely benign or benign based on one or more of the following criteria: it is a conservative change, it occurs at a poorly conserved position in the protein, it is predicted to be benign by multiple in silico algorithms, and/or has population frequency not consistent with disease.

NM_201384.3(PLEC):c.2305-240A>G

Gene: PLEC (plectin; minus strand). Cytogenetic location: 8q24.3.
Variant type: single nucleotide variant.
Coding change: c.2305-240A>G on transcript NM_201384.3 (MANE Select); 240 bases into the intron before coding-DNA position 2305, A replaced by G.
Molecular consequence: intron variant.
Genome position (GRCh38, 1-based): chr8:143,930,776, T>C on the plus strand (A>G on the coding strand, the complement: PLEC is on the minus strand). VCF-style: chr8-143930776-T-C. GRCh37 (hg19) VCF-style: chr8-145004944-T-C.
Other names: c.2386-240A>G (NM_000445.5); c.2263-240A>G (NM_201378.4); c.2239-240A>G (NM_201379.3); c.2716-240A>G (NM_201380.4); c.2209-240A>G (NM_201381.3); c.2305-240A>G (NM_201382.4); c.2317-240A>G (NM_201383.3).
Identifiers: ClinVar variation 667921 (VCV000667921.1), dbSNP rs10107388, ClinGen allele CA12780805.